The following is an entry in ClinVar:

NM_000179.3(MSH6):c.103_113del (p.Ala35fs)

Gene: MSH6 (mutS homolog 6; plus strand). Cytogenetic location: 2p16.3.
Variant type: Deletion.
Coding change: c.103_113del on transcript NM_000179.3 (MANE Select); coding-DNA positions 103 to 113, 11 bases deleted (GCCGCTGCCCC).
Protein change: p.Ala35fs; shifts the reading frame from alanine 35.
Molecular consequence: frameshift variant. On other transcripts: 5 prime UTR variant (1).
Genome position (GRCh38, 1-based): chr2:47,783,336-47,783,346, GCCGCTGCCCC deleted; deleting any 11 consecutive bases within chr2:47,783,334-47,783,346 gives the same sequence; the c. name uses the placement nearest the transcript's 3' end. VCF-style (leftmost placement, unchanged base first): chr2-47783333-GCCGCCGCTGCC-G. GRCh37 (hg19) VCF-style: chr2-48010472-GCCGCCGCTGCC-G.
Other names: c.103_113delGCCGCTGCCCC (NM_000179.2); c.103_113del, p.Ala35fs (NM_001281492.2); c.-634_-624del (NM_001281493.2); c.103_113del11 (NM_000179.2); short protein forms A35fs.
Identifiers: ClinVar variation 665236 (VCV000665236.15), dbSNP rs1572698011, ClinGen allele CA915943788.

ClinVar aggregate classification (germline): Pathogenic. Review status: criteria provided, multiple submitters, no conflicts (2 of 4 stars). 3 submissions from 3 submitters: Pathogenic (3). Last evaluated 2026-06-25.

Conditions:
Hereditary nonpolyposis colorectal neoplasms. Identifiers: MedGen C0009405, MeSH D003123.
Lynch syndrome 5 (LYNCH5). Also called: Hereditary non-polyposis colorectal cancer, type 5; Colorectal cancer, hereditary nonpolyposis, type 5. Identifiers: Orphanet 144, MedGen C1833477, MONDO:0013710, OMIM 614350. Disease mechanism: loss of function.
Hereditary cancer-predisposing syndrome. Also called: Neoplastic Syndromes, Hereditary; Hereditary Cancer Syndrome; Hereditary neoplastic syndrome; Tumor predisposition. Identifiers: Orphanet 140162, MedGen C0027672, MeSH D009386, MONDO:0015356.

Submissions (3):

Ambry Genetics
Classification: Pathogenic for Hereditary cancer-predisposing syndrome. Last evaluated: 2026-06-25. Review status: criteria provided, single submitter. Criteria: Ambry Variant Classification Scheme 2023. Collection method: clinical testing. Allele origin: germline.
Comment: The c.103_113del11 pathogenic mutation, located in coding exon 1 of the MSH6 gene, results from a deletion of 11 nucleotides at nucleotide positions 103 to 113, causing a translational frameshift with a predicted alternate stop codon (p.A35Rfs*51). This variant is considered to be rare based on population cohorts in the Genome Aggregation Database (gnomAD). This alteration is expected to result in loss of function by premature protein truncation or nonsense-mediated mRNA decay. As such, this alteration is interpreted as a disease-causing mutation.

Myriad Genetics, Inc.
Classification: Pathogenic for Lynch syndrome 5. Last evaluated: 2026-05-05. Review status: criteria provided, single submitter. Criteria: Myriad Autosomal Dominant, Autosomal Recessive and X-Linked Classification Criteria (2023). Collection method: clinical testing. Allele origin: unknown.
Comment: This variant is considered pathogenic. This variant creates a frameshift predicted to result in premature protein truncation.

Labcorp Genetics (formerly Invitae), Labcorp
Classification: Pathogenic for Hereditary nonpolyposis colorectal neoplasms. Last evaluated: 2024-03-07. Review status: criteria provided, single submitter. Criteria: Invitae Variant Classification Sherloc (09022015). Collection method: clinical testing. Allele origin: germline.
Comment: This sequence change creates a premature translational stop signal (p.Ala35Argfs*51) in the MSH6 gene. It is expected to result in an absent or disrupted protein product. Loss-of-function variants in MSH6 are known to be pathogenic (PMID: 18269114, 24362816). This variant is not present in population databases (gnomAD no frequency). This variant has not been reported in the literature in individuals affected with MSH6-related conditions. ClinVar contains an entry for this variant (Variation ID: 665236). For these reasons, this variant has been classified as Pathogenic.

Literature cited by the submitters: PubMed 18269114 (cited by Labcorp Genetics (formerly Invitae), Labcorp); PubMed 24362816 (cited by Labcorp Genetics (formerly Invitae), Labcorp).